The following is an entry in ClinVar:

ClinVar aggregate classification (germline): Pathogenic (1 of 4 stars; one submission).

Conditions:
Autosomal recessive limb-girdle muscular dystrophy type 2C (LGMDR5). Also called: MUSCULAR DYSTROPHY, DUCHENNE-LIKE; MUSCULAR DYSTROPHY, LIMB-GIRDLE, AUTOSOMAL RECESSIVE 5. Identifiers: Orphanet 353, MedGen C0410173, MONDO:0009677, OMIM 253700. Disease mechanism: Affects gamma-sarcoglycan and also disrupts the integrity of the entire sarcoglycan complex..

Submission:

Medical Genetics Laboratory, Etlik City Hospital
Classification: Pathogenic for Autosomal recessive limb-girdle muscular dystrophy type 2C. Review status: criteria provided, single submitter. Criteria: ACMG Guidelines, 2015. Collection method: clinical testing. Allele origin: biparental. Inheritance: Autosomal recessive inheritance. Affected: yes. Observed: 5 variant alleles, 2 compound heterozygotes, 3 homozygotes.
Comment: The c.392A>G p.(Lys131Arg) missense variant identified in SGCG has been found in a heterozygous form in only 16 individuals in the GnomAD database, and no homozygous individuals have been reported. In silico meta-prediction tools, such as REVEL and BayesDel, predict this variant as benign. In the ClinVar database, this variant has been submitted by four different centers and classified as a variant of uncertain significance (accession numbers: SCV001268663.1, SCV002285975.2, SCV004048519.1, and SCV003819955.2). Another literature report describes a sarcoglycanopathy cohort including Turkish patients, in which the c.392A>G p.(Lys131Arg) variant was found in the homozygous state in four patients with pathologically confirmed sarcoglycanopathy (DOI: 10.1016/j.nmd.2023.07.203). Similar to the ClinVar entries, both studies classified it as a variant of uncertain significance and were unable to demonstrate any connection between the c.392A>G variant and the exon 1-4 duplication. The associated 136 Kb exon 1-4 duplication in SGCG has not been reported in any public CNV or variant database. Additionally, while different intragenic deletions and rearrangements have been described in the literature, no duplication events have been reported. Although short-read NGS and SNP arrays do not resolve orientation or insertion site, the duplication is likely to disrupt the reading frame, consistent with a loss-of-function effect, which is further supported by our functional data. In our dataset, the point mutation alone (c.392A>G) was identified in 3 individuals without the accompanying exon 1–4 duplication. In contrast, the combined allele (c.392A>G along with exon 1–4 duplication) was detected in a total of 11 individuals. While interpreted in isolation, the c.392A>G variant remains classified as a variant of uncertain significance; the combined allele is considered pathogenic.

Literature cited by the submitters: PubMed 28687063; DOI 10.1016/j.nmd.2023.07.203.

Multiple alleles

Variant type: Haplotype.
Identifiers: ClinVar variation 4072354 (VCV004072354.1).